The following is an entry in ClinVar:

ClinVar aggregate classification (germline): Likely pathogenic (1 of 4 stars; one submission).

Submission:

GeneDx
Classification: Likely pathogenic. Last evaluated: 2025-04-11. Review status: criteria provided, single submitter. Criteria: GeneDx Variant Classification Process June 2021. Collection method: clinical testing. Allele origin: germline. Affected: yes.
Comment: Alters the last nucleotide of the exon and is predicted to destroy the splice donor site and result in aberrant splicing, although in the absence of functional evidence the actual effect of this sequence change is unknown; Not observed at significant frequency in large population cohorts (gnomAD); This variant is associated with the following publications: (PMID: 29955172)

NM_001257180.2(SLC20A2):c.1523G>A (p.Ser508Asn)

Gene: SLC20A2 (solute carrier family 20 member 2; minus strand). Cytogenetic location: 8p11.21.
Variant type: single nucleotide variant.
Coding change: c.1523G>A on transcript NM_001257180.2 (MANE Select); coding-DNA position 1523, G replaced by A.
Protein change: p.Ser508Asn; replaces serine 508 with asparagine.
Molecular consequence: missense variant.
Genome position (GRCh38, 1-based): chr8:42,436,989, C>T on the plus strand (G>A on the coding strand, the complement: SLC20A2 is on the minus strand). VCF-style: chr8-42436989-C-T. GRCh37 (hg19) VCF-style: chr8-42294507-C-T.
Other names: c.1523G>A, p.Ser508Asn (NM_001257181.2, NM_006749.5); short protein forms S508N.
Identifiers: ClinVar variation 4282373 (VCV004282373.1).
Genomic context (GRCh38, chr8:42,436,989, plus strand): 5'-GCGCTGGCCCCTGGCGGAGCCTCAAGGACCCTTGTTGAATGAATGAATGAAAGCACCCAC[C>T]TCACGTCATTGCCGCCGTGAGCAAAGGACCCGAAACAGGCGGTGAGGACCTGCAGGAAAT-3'
Protein context (NP_001244109.1, residues 498-518): GSFAHGGNDV[Ser508Asn]NAIGPLVALW